The following is an entry in ClinVar:

ClinVar aggregate classification (germline): Uncertain significance (1 of 4 stars; one submission).

Conditions:
Inborn genetic diseases. Identifiers: MedGen C0950123, MeSH D030342.

Submission:

Ambry Genetics
Classification: Uncertain significance for Inborn genetic diseases. Last evaluated: 2019-03-28. Review status: criteria provided, single submitter. Criteria: Ambry Variant Classification Scheme 2023. Collection method: clinical testing. Allele origin: germline.
Comment: The c.207_209delTGGinsCAT variant, located in coding exon 2 of the DHCR7 gene, results from an in-frame deletion of TGG and insertion of CAT at nucleotide positions 207 to 209. This results in the substitution of the glycine residue for an isoleucine residue at codon 70, an amino acid with dissimilar properties. This amino acid position is poorly conserved in available vertebrate species. Since supporting evidence is limited at this time, the clinical significance of this alteration remains unclear.

NM_001360.3(DHCR7):c.207_209delinsCAT (p.Gly70Ile)

Gene: DHCR7 (7-dehydrocholesterol reductase; minus strand). Cytogenetic location: 11q13.4.
Variant type: Indel.
Coding change: c.207_209delinsCAT on transcript NM_001360.3 (MANE Select); coding-DNA positions 207 to 209, TGG replaced by CAT.
Protein change: p.Gly70Ile; replaces glycine 70 with isoleucine.
Molecular consequence: missense variant.
Genome position (GRCh38, 1-based): chr11:71,444,105-71,444,107, CCA replaced by ATG on the plus strand (TGG replaced by CAT on the coding strand, the reverse complement: DHCR7 is on the minus strand). VCF-style: chr11-71444105-CCA-ATG. GRCh37 (hg19) VCF-style: chr11-71155151-CCA-ATG.
Other names: c.207_209delinsCAT, p.Gly70Ile (NM_001163817.2); short protein forms G70I.
Identifiers: ClinVar variation 1785371 (VCV001785371.2), dbSNP rs2539236554, ClinGen allele CA2580084822.
Genomic context (GRCh38, chr11:71,444,105, plus strand): 5'-GGAGTCTTGGCCCAGATGTCCGAGAGCCGAGCATGTCCGGTGACGATGTCCACCACAGGG[CCA>ATG]GTCAGGGCGCAGCTGTACTGGTCACAAGCCATGATGAAGTAGTAGACGATGAAGGGGGCG-3'
Protein context (NP_001351.2, residues 60-80): ACDQYSCALT[Gly70Ile]PVVDIVTGHA